The following is an entry in ClinVar:

NM_000701.8(ATP1A1):c.863T>C (p.Ile288Thr)

Gene: ATP1A1 (ATPase Na+/K+ transporting subunit alpha 1; plus strand). Cytogenetic location: 1p13.1.
Variant type: single nucleotide variant.
Coding change: c.863T>C on transcript NM_000701.8 (MANE Select); coding-DNA position 863, T replaced by C.
Protein change: p.Ile288Thr; replaces isoleucine 288 with threonine.
Molecular consequence: missense variant.
Genome position (GRCh38, 1-based): chr1:116,389,547, T>C. VCF-style: chr1-116389547-T-C. GRCh37 (hg19) VCF-style: chr1-116932169-T-C.
Other names: c.863T>C, p.Ile288Thr (NM_001160233.2); c.770T>C, p.Ile257Thr (NM_001160234.2); short protein forms I257T, I288T.
Identifiers: ClinVar variation 1712051 (VCV001712051.2), dbSNP rs2525834410, ClinGen allele CA341843865.

ClinVar aggregate classification (germline): Uncertain significance (1 of 4 stars; one submission).

Submission:

GeneDx
Classification: Uncertain significance. Last evaluated: 2022-04-21. Review status: criteria provided, single submitter. Criteria: GeneDx Variant Classification Process June 2021. Collection method: clinical testing. Allele origin: germline. Affected: yes.
Comment: Not observed at significant frequency in large population cohorts (gnomAD); In silico analysis supports that this missense variant has a deleterious effect on protein structure/function; Has not been previously published as pathogenic or benign to our knowledge